The following is an entry in ClinVar:

NM_004415.4(DSP):c.8571del (p.Tyr2858fs)

Gene: DSP (desmoplakin; plus strand). Cytogenetic location: 6p24.3.
Variant type: Deletion.
Coding change: c.8571del on transcript NM_004415.4 (MANE Select); coding-DNA position 8571, one base deleted (C; older notation c.8571delC).
Protein change: p.Tyr2858fs; shifts the reading frame from tyrosine 2858.
Molecular consequence: frameshift variant.
Genome position (GRCh38, 1-based): chr6:7,585,833, C deleted; the last of 2 consecutive C bases (chr6:7,585,832-7,585,833); deleting either gives the same sequence. VCF-style (leftmost placement, unchanged base first): chr6-7585831-TC-T. GRCh37 (hg19) VCF-style: chr6-7586064-TC-T.
Other names: c.6774del, p.Tyr2259fs (NM_001008844.3); c.7242del, p.Tyr2415fs (NM_001319034.2); short protein forms Y2259fs, Y2415fs, Y2858fs.
Identifiers: ClinVar variation 4758401 (VCV004758401.1).

ClinVar aggregate classification (germline): Uncertain significance (1 of 4 stars; one submission).

Conditions:
Cardiomyopathy (CMYO). Also called: Cardiomyopathies. Identifiers: Orphanet 167848, MedGen C0878544, MONDO:0004994, HP:0001638. Inheritance: Various modes of inheritance.

Submission:

Color Diagnostics, LLC DBA Color Health
Classification: Uncertain significance for Cardiomyopathy. Last evaluated: 2025-04-03. Review status: criteria provided, single submitter. Criteria: ACMG Guidelines, 2015. Collection method: clinical testing. Allele origin: germline.
Comment: This variant deletes 1 nucleotide in exon 24 of the DSP gene, causing a frameshift in the last exon and addition of 25 new amino acids before introducing a stop codon. The mutant transcript is expected to escape nonsense-mediated decay and result in a protein product that is 12 amino acids longer than the normal protein product. To our knowledge, this variant has not been reported in individuals affected with DSP-related disorders in the literature. This variant has not been identified in the general population by the Genome Aggregation Database (gnomAD). The available evidence is insufficient to determine the role of this variant in disease conclusively. Therefore, this variant is classified as a Variant of Uncertain Significance.